The following is an entry in ClinVar:

NM_001127178.3(PIGG):c.1047A>G (p.Arg349=)

Gene: PIGG (phosphatidylinositol glycan anchor biosynthesis class G (EMM blood group); plus strand). Cytogenetic location: 4p16.3.
Variant type: single nucleotide variant.
Coding change: c.1047A>G on transcript NM_001127178.3 (MANE Select); coding-DNA position 1047, A replaced by G.
Protein change: p.Arg349=; no amino-acid change (arginine 349 retained).
Molecular consequence: synonymous variant. On other transcripts: 5 prime UTR variant (3), non-coding transcript variant (10).
Genome position (GRCh38, 1-based): chr4:516,118, A>G. VCF-style: chr4-516118-A-G. GRCh37 (hg19) VCF-style: chr4-509907-A-G.
Other names: c.780A>G, p.Arg260= (NM_001289051.2, NM_001289053.2, NM_001289057.2 and 2 more transcripts); c.648A>G, p.Arg216= (NM_001289052.2); c.681A>G, p.Arg227= (NM_001289055.2); c.18A>G, p.Arg6= (NM_001345988.2); c.1047A>G, p.Arg349= (NM_001345989.2, NM_017733.5); c.-579A>G (NM_001345990.2); c.-441A>G (NM_001345991.2); c.-166A>G (NM_001345994.2).
Identifiers: ClinVar variation 1512249 (VCV001512249.22), dbSNP rs1397607565, ClinGen allele CA437886282.
Genomic context (GRCh38, chr4:516,118, plus strand): 5'-CAGTGTAGGGAGCCTCCTATTCCCAGTTGTGGAAGGAAGACCAATGAGAGAGCAGTTGAG[A>G]TTTTTACATTTGAATACAGTGCAGCTTAGTAAACTGTTGCAAGAGAATGTGCCGTCATAT-3'
Protein context (NP_001120650.1, residues 339-359): VEGRPMREQL[Arg349=]FLHLNTVQLS

ClinVar aggregate classification (germline): Likely benign. Review status: criteria provided, multiple submitters, no conflicts (2 of 4 stars). 2 submissions from 2 submitters: Likely benign (2). Last evaluated 2025-04-14.

Conditions:
Intellectual disability, autosomal recessive 53 (NEDHSCA). Also called: GLYCOSYLPHOSPHATIDYLINOSITOL BIOSYNTHESIS DEFECT 13; Mental retardation, autosomal recessive 53; NEURODEVELOPMENTAL DISORDER WITH OR WITHOUT HYPOTONIA, SEIZURES, AND CEREBELLAR ATROPHY. Identifiers: Orphanet 488635, MedGen C4310794, MONDO:0014832, OMIM 616917.

Allele frequency attached by ClinVar (database versions not stated): gnomAD exomes 0.00001; gnomAD 0.00003 and 0.00004; TOPMed 0.00003.
gnomAD v4.1: 13 of 1,613,926 alleles (0.00081%); highest among the groups gnomAD compares: African/African-American, 0.011%; no homozygotes.

Submissions (2):

Labcorp Genetics (formerly Invitae), Labcorp
Classification: Likely benign for Intellectual disability, autosomal recessive 53. Last evaluated: 2025-04-14. Review status: criteria provided, single submitter. Criteria: Invitae Variant Classification Sherloc (09022015). Collection method: clinical testing. Allele origin: germline.

CeGaT Center for Human Genetics Tuebingen
Classification: Likely benign. Last evaluated: 2024-08-01. Review status: criteria provided, single submitter. Criteria: CeGaT Center For Human Genetics Tuebingen Variant Classification Criteria Version 2. Collection method: clinical testing. Allele origin: germline. Affected: yes. Observed: 1 variant allele.
Comment: PIGG: BP4, BP7